The following is an entry in ClinVar:

NM_000501.4(ELN):c.61C>T (p.Leu21Phe)

Gene: ELN (elastin; plus strand). Cytogenetic location: 7q11.23.
Variant type: single nucleotide variant.
Coding change: c.61C>T on transcript NM_000501.4 (MANE Select); coding-DNA position 61, C replaced by T.
Protein change: p.Leu21Phe; replaces leucine 21 with phenylalanine.
Molecular consequence: missense variant.
Genome position (GRCh38, 1-based): chr7:74,028,248, C>T. VCF-style: chr7-74028248-C-T. GRCh37 (hg19) VCF-style: chr7-73442578-C-T.
Other names: c.61C>T, p.Leu21Phe (NM_001081752.3, NM_001081753.3, NM_001081754.3 and 9 more transcripts); short protein forms L21F.
Identifiers: ClinVar variation 2062156 (VCV002062156.4), dbSNP rs782483220, ClinGen allele CA4292226.

ClinVar aggregate classification (germline): Uncertain significance (1 of 4 stars; one submission).

Conditions:
Supravalvar aortic stenosis (SVAS). Also called: Supravalvar aortic stenosis, Eisenberg type. Identifiers: Orphanet 3193, MedGen C0003499, MONDO:0008504, OMIM 185500, HP:0004381.

Allele frequency attached by ClinVar (database versions not stated): gnomAD 0.00001; gnomAD exomes 0.00001; TOPMed 0.00001; ExAC 0.00004.

Submission:

Labcorp Genetics (formerly Invitae), Labcorp
Classification: Uncertain significance for Supravalvar aortic stenosis. Last evaluated: 2026-02-01. Review status: criteria provided, single submitter. Criteria: Invitae Variant Classification Sherloc (09022015). Collection method: clinical testing. Allele origin: germline.
Comment: This sequence change replaces leucine, which is neutral and non-polar, with phenylalanine, which is neutral and non-polar, at codon 21 of the ELN protein (p.Leu21Phe). The frequency data for this variant in the population databases is considered unreliable, as metrics indicate poor data quality at this position in the gnomAD database. This variant has not been reported in the literature in individuals affected with ELN-related conditions. ClinVar contains an entry for this variant (Variation ID: 2062156). Invitae Evidence Modeling of protein sequence and biophysical properties (such as structural, functional, and spatial information, amino acid conservation, physicochemical variation, residue mobility, and thermodynamic stability) indicates that this missense variant is not expected to disrupt ELN protein function with a negative predictive value of 80%. In summary, the available evidence is currently insufficient to determine the role of this variant in disease. Therefore, it has been classified as a Variant of Uncertain Significance.